The following is an entry in ClinVar:

ClinVar aggregate classification (germline): Conflicting classifications of pathogenicity. Review status: criteria provided, conflicting classifications (1 of 4 stars). 3 submissions from 3 submitters: Uncertain significance (2); Likely benign (1). Last evaluated 2025-09-09.

Conditions:
Hereditary cancer-predisposing syndrome. Also called: Neoplastic Syndromes, Hereditary; Tumor predisposition; Hereditary Cancer Syndrome; Hereditary neoplastic syndrome. Identifiers: Orphanet 140162, MedGen C0027672, MeSH D009386, MONDO:0015356.
Familial adenomatous polyposis 2. Also called: Adenomas, multiple colorectal; MUTYH Polyposis; COLORECTAL ADENOMATOUS POLYPOSIS, AUTOSOMAL RECESSIVE; ADENOMAS, MULTIPLE COLORECTAL, AUTOSOMAL RECESSIVE; MUTYH-associated polyposis; MUTYH-related attenuated familial adenomatous polyposis. Identifiers: Orphanet 220460, Orphanet 247798, MedGen C3272841, MONDO:0012041, OMIM 608456.

Submissions (3):

Ambry Genetics
Classification: Likely benign for Hereditary cancer-predisposing syndrome. Last evaluated: 2025-09-09. Review status: criteria provided, single submitter. Criteria: Ambry Variant Classification Scheme 2023. Collection method: clinical testing. Allele origin: germline.

Color Diagnostics, LLC DBA Color Health
Classification: Uncertain significance for Hereditary cancer-predisposing syndrome. Last evaluated: 2023-12-05. Review status: criteria provided, single submitter. Criteria: ACMG Guidelines, 2015. Collection method: clinical testing. Allele origin: germline.
Comment: This missense variant replaces threonine with serine at codon 477 of the MUTYH protein. Computational prediction is inconclusive regarding the impact of this variant on protein structure and function (internally defined REVEL score threshold 0.5 < inconclusive < 0.7, PMID: 27666373). To our knowledge, functional studies have not been reported for this variant. This variant has not been reported in individuals affected with MUTYH-related disorders in the literature. This variant has not been identified in the general population by the Genome Aggregation Database (gnomAD). The available evidence is insufficient to determine the role of this variant in disease conclusively. Therefore, this variant is classified as a Variant of Uncertain Significance.

Labcorp Genetics (formerly Invitae), Labcorp
Classification: Uncertain significance for Familial adenomatous polyposis 2. Last evaluated: 2022-04-22. Review status: criteria provided, single submitter. Criteria: Invitae Variant Classification Sherloc (09022015). Collection method: clinical testing. Allele origin: germline.
Comment: This sequence change replaces threonine, which is neutral and polar, with serine, which is neutral and polar, at codon 477 of the MUTYH protein (p.Thr477Ser). This variant is not present in population databases (gnomAD no frequency). This variant has not been reported in the literature in individuals affected with MUTYH-related conditions. ClinVar contains an entry for this variant (Variation ID: 919827). Algorithms developed to predict the effect of missense changes on protein structure and function are either unavailable or do not agree on the potential impact of this missense change (SIFT: "Tolerated"; PolyPhen-2: "Possibly Damaging"; Align-GVGD: "Class C0"). In summary, the available evidence is currently insufficient to determine the role of this variant in disease. Therefore, it has been classified as a Variant of Uncertain Significance.

Literature cited by the submitters: PubMed 40738107 (cited by Ambry Genetics).

NM_001048174.2(MUTYH):c.1345A>T (p.Thr449Ser)

Gene: MUTYH (mutY DNA glycosylase; minus strand). Cytogenetic location: 1p34.1.
Variant type: single nucleotide variant.
Coding change: c.1345A>T on transcript NM_001048174.2 (MANE Select); coding-DNA position 1345, A replaced by T.
Protein change: p.Thr449Ser; replaces threonine 449 with serine.
Molecular consequence: missense variant. On other transcripts: non-coding transcript variant (2).
Genome position (GRCh38, 1-based): chr1:45,331,229, T>A on the plus strand (A>T on the coding strand, the complement: MUTYH is on the minus strand). VCF-style: chr1-45331229-T-A. GRCh37 (hg19) VCF-style: chr1-45796901-T-A.
Other names: c.1345A>T, p.Thr449Ser (NM_001048171.2, NM_001048173.2, NM_001293195.2); c.1348A>T, p.Thr450Ser (NM_001048172.2); c.1429A>T, p.Thr477Ser (NM_001128425.2); c.1390A>T, p.Thr464Ser (NM_001293190.2); c.1378A>T, p.Thr460Ser (NM_001293191.2); c.1069A>T, p.Thr357Ser (NM_001293192.2, NM_001293196.2); c.1000A>T, p.Thr334Ser (NM_001350650.2, NM_001350651.2); c.1420A>T, p.Thr474Ser (NM_012222.3); short protein forms T449S, T464S, T477S, T334S, T357S, T450S, T460S, T474S.
Identifiers: ClinVar variation 919827 (VCV000919827.12), dbSNP rs1553124948, ClinGen allele CA340132601.